The following is an entry in ClinVar:

NM_004369.4(COL6A3):c.4047C>T (p.Asp1349=)

Gene: COL6A3 (collagen type VI alpha 3 chain; minus strand). Cytogenetic location: 2q37.3.
Variant type: single nucleotide variant.
Coding change: c.4047C>T on transcript NM_004369.4 (MANE Select); coding-DNA position 4047, C replaced by T.
Protein change: p.Asp1349=; no amino-acid change (aspartic acid 1349 retained).
Molecular consequence: synonymous variant.
Genome position (GRCh38, 1-based): chr2:237,371,970, G>A on the plus strand (C>T on the coding strand, the complement: COL6A3 is on the minus strand). VCF-style: chr2-237371970-G-A. GRCh37 (hg19) VCF-style: chr2-238280613-G-A.
Other names: c.2826C>T, p.Asp942= (NM_057164.5); c.3429C>T, p.Asp1143= (NM_057165.5, NM_057167.4); c.2226C>T, p.Asp742= (NM_057166.5).
Identifiers: ClinVar variation 285574 (VCV000285574.49), dbSNP rs115893145, ClinGen allele CA2189008.

ClinVar aggregate classification (germline): Conflicting classifications of pathogenicity. Review status: criteria provided, conflicting classifications (1 of 4 stars). 8 submissions from 8 submitters: Uncertain significance (1); Benign (1); Likely benign (6). Last evaluated 2026-04-03.

Conditions:
COL6A3-related disorder. Also called: COL6A3-related disorders; COL6A3-related condition.
Collagen 6-related myopathy. Identifiers: MedGen CN117976, MONDO:0100225.
Bethlem myopathy 1A. Also called: Bethlem myopathy 1; Bethlem Muscular Dystrophy; MYOPATHY, BENIGN CONGENITAL, WITH CONTRACTURES. Identifiers: Orphanet 610, MedGen CN029274, MONDO:0024530, OMIM 158810.

Allele frequency attached by ClinVar (database versions not stated): gnomAD 0.00026 and 0.00031; ESP Exome Variant Server 0.00031; TOPMed 0.00032; gnomAD exomes 0.00038; 1000 Genomes Project 0.00060; 1000 Genomes Project 30x 0.00062.
gnomAD v4.1: 591 of 1,614,110 alleles (0.037%); highest among the groups gnomAD compares: East Asian, 0.082%; no homozygotes.

Submissions (8):

Women's Health and Genetics/Laboratory Corporation of America, LabCorp
Classification: Likely benign. Last evaluated: 2026-04-03. Review status: criteria provided, single submitter. Criteria: LabCorp Variant Classification Summary - May 2015. Collection method: clinical testing. Allele origin: germline.

CeGaT Center for Human Genetics Tuebingen
Classification: Likely benign. Last evaluated: 2026-03-01. Review status: criteria provided, single submitter. Criteria: CeGaT Center For Human Genetics Tuebingen Variant Classification Criteria Version 2. Collection method: clinical testing. Allele origin: germline. Affected: yes. Observed: 5 variant alleles.
Comment: COL6A3: BP4, BP7

PreventionGenetics, part of Exact Sciences
Classification: Likely benign for COL6A3-related condition. Last evaluated: 2026-02-07. Review status: criteria provided, single submitter. Criteria: ACMG Guidelines, 2015. Collection method: clinical testing. Allele origin: germline.
Comment: This variant is classified as likely benign based on ACMG/AMP sequence variant interpretation guidelines (Richards et al. 2015 PMID: 25741868, with internal and published modifications).

Labcorp Genetics (formerly Invitae), Labcorp
Classification: Likely benign for Bethlem myopathy 1A. Last evaluated: 2026-01-06. Review status: criteria provided, single submitter. Criteria: Invitae Variant Classification Sherloc (09022015). Collection method: clinical testing. Allele origin: germline.

Blueprint Genetics
Classification: Likely benign. Last evaluated: 2024-10-16. Review status: criteria provided, single submitter. Criteria: ACMG Guidelines, 2015. Collection method: clinical testing. Allele origin: germline.

Illumina Laboratory Services, Illumina
Classification: Benign for Collagen VI-related myopathy. Last evaluated: 2018-01-13. Review status: criteria provided, single submitter. Criteria: ICSL Variant Classification Criteria 13 December 2019. Collection method: clinical testing. Allele origin: germline.
Comment: This variant was observed in the ICSL laboratory as part of a predisposition screen in an ostensibly healthy population. It had not been previously curated by ICSL or reported in the Human Gene Mutation Database (HGMD: prior to June 1st, 2018), and was therefore a candidate for classification through an automated scoring system. Utilizing variant allele frequency, disease prevalence and penetrance estimates, and inheritance mode, an automated score was calculated to assess if this variant is too frequent to cause the disease. Based on the score and internal cut-off values, a variant classified as benign is not then subjected to further curation. The score for this variant resulted in a classification of benign for this disease.

GeneDx
Classification: Likely benign. Last evaluated: 2016-08-10. Review status: criteria provided, single submitter. Criteria: GeneDx Variant Classification (06012015). Collection method: clinical testing. Allele origin: germline. Affected: yes.
Comment: This variant is considered likely benign or benign based on one or more of the following criteria: it is a conservative change, it occurs at a poorly conserved position in the protein, it is predicted to be benign by multiple in silico algorithms, and/or has population frequency not consistent with disease.

Eurofins Ntd Llc (ga)
Classification: Uncertain significance. Last evaluated: 2016-01-08. Review status: criteria provided, single submitter. Criteria: EGL Classification Definitions 2015. Collection method: clinical testing. Allele origin: germline. Observed: 3 variant alleles, 3 heterozygotes.